The following is an entry in ClinVar:

ClinVar aggregate classification (germline): Likely benign. Review status: criteria provided, multiple submitters, no conflicts (2 of 4 stars). 2 submissions from 2 submitters: Likely benign (2). Last evaluated 2026-05-01.

Allele frequency attached by ClinVar (database versions not stated): TOPMed below 0.00001.

Submissions (2):

CeGaT Center for Human Genetics Tuebingen
Classification: Likely benign. Last evaluated: 2026-05-01. Review status: criteria provided, single submitter. Criteria: CeGaT Center For Human Genetics Tuebingen Variant Classification Criteria Version 2. Collection method: clinical testing. Allele origin: germline. Affected: yes. Observed: 1 variant allele.
Comment: NONO: PM2:Supporting, BP4, BP7

Labcorp Genetics (formerly Invitae), Labcorp
Classification: Likely benign. Last evaluated: 2022-11-11. Review status: criteria provided, single submitter. Criteria: Invitae Variant Classification Sherloc (09022015). Collection method: clinical testing. Allele origin: germline.

NM_007363.5(NONO):c.582G>A (p.Glu194=)

Gene: NONO (non-POU domain containing octamer binding; plus strand). Cytogenetic location: Xq13.1.
Variant type: single nucleotide variant.
Coding change: c.582G>A on transcript NM_007363.5 (MANE Select); coding-DNA position 582, G replaced by A.
Protein change: p.Glu194=; no amino-acid change (glutamic acid 194 retained).
Molecular consequence: synonymous variant.
Genome position (GRCh38, 1-based): chrX:71,294,460, G>A. VCF-style: chrX-71294460-G-A. GRCh37 (hg19) VCF-style: chrX-70514310-G-A.
Other names: c.582G>A, p.Glu194= (NM_001145408.2, NM_001145409.2); c.315G>A, p.Glu105= (NM_001145410.2).
Identifiers: ClinVar variation 721676 (VCV000721676.8), dbSNP rs1602387710, ClinGen allele CA516729635.
Genomic context (GRCh38, chrX:71,294,460, plus strand): 5'-AGAGAGGGCTGTAGTCATTGTGGATGATCGAGGAAGGCCCTCAGGAAAAGGCATTGTTGA[G>A]TTCTCAGGGAAGCCAGCTGCTCGGAAAGCTCTGGACAGATGCAGTGAAGGCTCCTTCCTG-3'
Protein context (NP_031389.3, residues 184-204): RGRPSGKGIV[Glu194=]FSGKPAARKA